The following is an entry in ClinVar:

ClinVar aggregate classification (germline): Benign. Review status: criteria provided, multiple submitters, no conflicts (2 of 4 stars). 3 submissions from 3 submitters: Benign (3). Last evaluated 2025-12-24.

Allele frequency attached by ClinVar (database versions not stated): gnomAD exomes 0.00080 and 0.00205; ExAC 0.00262; gnomAD 0.00793 and 0.00855; ESP Exome Variant Server 0.00907; TOPMed 0.00911; 1000 Genomes Project 0.01138; 1000 Genomes Project 30x 0.01265.
gnomAD v4.1: 2,426 of 1,614,036 alleles (0.15%); highest among the groups gnomAD compares: African/African-American, 2.8%; 33 homozygotes.

Submissions (3):

Labcorp Genetics (formerly Invitae), Labcorp
Classification: Benign. Last evaluated: 2025-12-24. Review status: criteria provided, single submitter. Criteria: Invitae Variant Classification Sherloc (09022015). Collection method: clinical testing. Allele origin: germline.

Mayo Clinic Laboratories, Mayo Clinic
Classification: Benign. Last evaluated: 2024-04-19. Review status: criteria provided, single submitter. Criteria: ACMG Guidelines, 2015. Collection method: clinical testing. Allele origin: germline. Observed: 6 variant alleles.
Comment: BS1, BS2, BP4

Breakthrough Genomics
Classification: Benign. Review status: criteria provided, single submitter. Criteria: ACMG Guidelines, 2015. Collection method: not provided. Allele origin: germline. Inheritance: Autosomal recessive inheritance. Affected: yes.

NM_018116.4(MSTO1):c.1261A>G (p.Ile421Val)

Gene: MSTO1 (misato mitochondrial distribution and morphology regulator 1; plus strand). Cytogenetic location: 1q22.
Variant type: single nucleotide variant.
Coding change: c.1261A>G on transcript NM_018116.4 (MANE Select); coding-DNA position 1261, A replaced by G.
Protein change: p.Ile421Val; replaces isoleucine 421 with valine.
Molecular consequence: missense variant. On other transcripts: non-coding transcript variant (6).
Genome position (GRCh38, 1-based): chr1:155,613,211, A>G. VCF-style: chr1-155613211-A-G. GRCh37 (hg19) VCF-style: chr1-155583002-A-G.
Other names: p.Ile421Val; c.1261A>G, p.Ile421Val (NM_001256532.1, NM_001256533.1, NM_001350772.1 and 3 more transcripts); c.1096A>G, p.Ile366Val (NM_001350776.1); c.730A>G, p.Ile244Val (NM_001350777.1, NM_001350778.1, NM_001350779.1); c.727A>G, p.Ile243Val (NM_001350780.1, NM_001350781.1, NM_001350782.1 and 3 more transcripts); c.718A>G, p.Ile240Val (NM_001350784.1, NM_001350785.1, NM_001350787.1 and 1 more transcripts); short protein forms I240V, I243V, I244V, I421V, I366V.
Identifiers: ClinVar variation 713033 (VCV000713033.12), dbSNP rs61375216, ClinGen allele CA1148150.